The following is an entry in ClinVar:

ClinVar aggregate classification (germline): Uncertain significance (1 of 4 stars; one submission).

Conditions:
Ehlers-Danlos syndrome, dermatosparaxis type. Also called: Dermatosparaxis; EDS VIIC; Ehlers-Danlos syndrome, type VII, autosomal recessive. Identifiers: Orphanet 1901, MedGen C2700425, MONDO:0009161, OMIM 225410.

Allele frequency attached by ClinVar (database versions not stated): gnomAD exomes below 0.00001; TOPMed below 0.00001.
gnomAD v4.1: 4 of 1,612,994 alleles (0.00025%); highest among the groups gnomAD compares: Non-Finnish European, 0.00034%; no homozygotes.

Submission:

Baylor Genetics
Classification: Uncertain significance for Ehlers-Danlos syndrome, dermatosparaxis type. Last evaluated: 2018-02-09. Review status: criteria provided, single submitter. Criteria: ACMG Guidelines, 2015. Collection method: clinical testing. Allele origin: maternal. Affected: yes.
Comment: This variant was determined to be of uncertain significance according to ACMG Guidelines, 2015 [PMID:25741868].

NM_014244.5(ADAMTS2):c.2826C>T (p.Cys942=)

Gene: ADAMTS2 (ADAM metallopeptidase with thrombospondin type 1 motif 2; minus strand). Cytogenetic location: 5q35.3.
Variant type: single nucleotide variant.
Coding change: c.2826C>T on transcript NM_014244.5 (MANE Select); coding-DNA position 2826, C replaced by T.
Protein change: p.Cys942=; no amino-acid change (cysteine 942 retained).
Molecular consequence: synonymous variant.
Genome position (GRCh38, 1-based): chr5:179,125,105, G>A on the plus strand (C>T on the coding strand, the complement: ADAMTS2 is on the minus strand). VCF-style: chr5-179125105-G-A. GRCh37 (hg19) VCF-style: chr5-178552106-G-A.
Identifiers: ClinVar variation 1032613 (VCV001032613.1), dbSNP rs1397278885, ClinGen allele CA448028138.
Genomic context (GRCh38, chr5:179,125,105, plus strand): 5'-GGCGTCATTGCAGTGCTTGGCGTGCACGGAGCGGGTGGTGTTGTCGTGTAGCGGCTGAAT[G>A]CAGCGCACGGAGCGCACCTGCATGCCTGTCCGCCCACAGGTCTGGCTACATGGCTCCCAT-3'
Protein context (NP_055059.2, residues 932-952): RTGMQVRSVR[Cys942=]IQPLHDNTTR